The following is an entry in ClinVar:

ClinVar aggregate classification (germline): Uncertain significance. Review status: criteria provided, multiple submitters, no conflicts (2 of 4 stars). 2 submissions from 2 submitters: Uncertain significance (2). Last evaluated 2025-10-06.

Conditions:
Bethlem myopathy 1A. Also called: MYOPATHY, BENIGN CONGENITAL, WITH CONTRACTURES; Bethlem myopathy 1; Bethlem Muscular Dystrophy. Identifiers: Orphanet 610, MedGen CN029274, MONDO:0024530, OMIM 158810.

Allele frequency attached by ClinVar (database versions not stated): TOPMed 0.00002.

Submissions (3):

Labcorp Genetics (formerly Invitae), Labcorp
Classification: Uncertain significance for Bethlem myopathy 1A. Last evaluated: 2025-10-06. Review status: criteria provided, single submitter. Criteria: Invitae Variant Classification Sherloc (09022015). Collection method: clinical testing. Allele origin: germline.
Comment: This sequence change affects codon 423 of the COL6A2 mRNA. It is a 'silent' change, meaning that it does not change the encoded amino acid sequence of the COL6A2 protein. This variant also falls at the last nucleotide of exon 14, which is part of the consensus splice site for this exon. This variant is present in population databases (rs144136807, gnomAD 0.02%). This variant has not been reported in the literature in individuals affected with COL6A2-related conditions. ClinVar contains an entry for this variant (Variation ID: 499976). Variants that disrupt the consensus splice site are a relatively common cause of aberrant splicing (PMID: 17576681, 9536098). Algorithms developed to predict the effect of sequence changes on RNA splicing suggest that this variant is not likely to affect RNA splicing. In summary, the available evidence is currently insufficient to determine the role of this variant in disease. Therefore, it has been classified as a Variant of Uncertain Significance.

Eurofins Ntd Llc (ga)
Classification: Uncertain significance. Last evaluated: 2017-01-19. Review status: criteria provided, single submitter. Criteria: EGL Classification Definitions 2015. Collection method: clinical testing. Allele origin: germline. Observed: 1 variant allele, 1 heterozygote.

Dr. Peter K. Rogan Lab, Western University
No classification provided (evidence only). Condition: Familial cancer of breast. Review status: no classification provided. Collection method: in vitro. Allele origin: not applicable. Functional consequence: retained intron. Not counted in ClinVar's aggregate classification.

Literature cited by the submitters: PubMed 17576681 (cited by Labcorp Genetics (formerly Invitae), Labcorp); PubMed 9536098 (cited by Labcorp Genetics (formerly Invitae), Labcorp).

NM_001849.4(COL6A2):c.1269G>A (p.Pro423=)

Gene: COL6A2 (collagen type VI alpha 2 chain; plus strand). Cytogenetic location: 21q22.3.
Variant type: single nucleotide variant.
Coding change: c.1269G>A on transcript NM_001849.4 (MANE Select); coding-DNA position 1269, G replaced by A.
Protein change: p.Pro423=; no amino-acid change (proline 423 retained).
Molecular consequence: synonymous variant.
Genome position (GRCh38, 1-based): chr21:46,119,119, G>A. VCF-style: chr21-46119119-G-A. GRCh37 (hg19) VCF-style: chr21-47539033-G-A.
Other names: c.1269G>A, p.Pro423= (NM_058174.3, NM_058175.3).
Identifiers: ClinVar variation 499976 (VCV000499976.11), dbSNP rs144136807, ClinGen allele CA10071791.
Genomic context (GRCh38, chr21:46,119,119, plus strand): 5'-AAGTCCTGGTGTGAAAGGAGCCAAGGGCGGGCCTGGGCCCCGCGGACCCAAAGGCGAGCC[G>A]GTGAGTCCCTCCTGCCCCTGCCTCAGGGCCCCGCTCTGGGCATCCTCCTTGCAGCTTGAG-3'
Protein context (NP_001840.3, residues 413-433): GPGPRGPKGE[Pro423=]GRRGDPGTKG